The following is an entry in ClinVar:

ClinVar aggregate classification (germline): Uncertain significance (1 of 4 stars; one submission).

Submission:

Labcorp Genetics (formerly Invitae), Labcorp
Classification: Uncertain significance. Last evaluated: 2024-02-07. Review status: criteria provided, single submitter. Criteria: Invitae Variant Classification Sherloc (09022015). Collection method: clinical testing. Allele origin: germline.
Comment: This sequence change replaces serine, which is neutral and polar, with proline, which is neutral and non-polar, at codon 99 of the NFE2L2 protein (p.Ser99Pro). This variant is present in population databases (rs5031039, gnomAD 0.01%). This variant has not been reported in the literature in individuals affected with NFE2L2-related conditions. Algorithms developed to predict the effect of missense changes on protein structure and function output the following: SIFT: "Not Available"; PolyPhen-2: "Benign"; Align-GVGD: "Not Available". The proline amino acid residue is found in multiple mammalian species, which suggests that this missense change does not adversely affect protein function. In summary, the available evidence is currently insufficient to determine the role of this variant in disease. Therefore, it has been classified as a Variant of Uncertain Significance.

NM_006164.5(NFE2L2):c.295T>C (p.Ser99Pro)

Gene: NFE2L2 (NFE2 like bZIP transcription factor 2; minus strand). Cytogenetic location: 2q31.2.
Variant type: single nucleotide variant.
Coding change: c.295T>C on transcript NM_006164.5 (MANE Select); coding-DNA position 295, T replaced by C.
Protein change: p.Ser99Pro; replaces serine 99 with proline.
Molecular consequence: missense variant. On other transcripts: intron variant (2).
Genome position (GRCh38, 1-based): chr2:177,234,022, A>G on the plus strand (T>C on the coding strand, the complement: NFE2L2 is on the minus strand). VCF-style: chr2-177234022-A-G. GRCh37 (hg19) VCF-style: chr2-178098750-A-G.
Other names: c.247T>C, p.Ser83Pro (NM_001145412.3, NM_001145413.3, NM_001313900.1 and 1 more transcripts); c.295T>C, p.Ser99Pro (NM_001313902.2); c.12+54T>C (NM_001313904.1); c.93+202T>C (NM_001313903.2); short protein forms S83P, S99P.
Identifiers: ClinVar variation 3713545 (VCV003713545.2).